The following is an entry in ClinVar:

NM_001199198.3(TBC1D23):c.170C>T (p.Ala57Val)

Gene: TBC1D23 (TBC1 domain family member 23; plus strand). Cytogenetic location: 3q12.1.
Variant type: single nucleotide variant.
Coding change: c.170C>T on transcript NM_001199198.3 (MANE Select); coding-DNA position 170, C replaced by T.
Protein change: p.Ala57Val; replaces alanine 57 with valine.
Molecular consequence: missense variant.
Genome position (GRCh38, 1-based): chr3:100,281,746, C>T. VCF-style: chr3-100281746-C-T. GRCh37 (hg19) VCF-style: chr3-100000590-C-T.
Other names: c.170C>T, p.Ala57Val (NM_018309.5); short protein forms A57V.
Identifiers: ClinVar variation 1029244 (VCV001029244.1), dbSNP rs1007913441, ClinGen allele CA79630048.

ClinVar aggregate classification (germline): Uncertain significance (1 of 4 stars; one submission).

Conditions:
Pontocerebellar hypoplasia, type 11. Identifiers: Orphanet 611247, MedGen C4540164, MONDO:0054669, OMIM 617695.

Allele frequency attached by ClinVar (database versions not stated): gnomAD exomes 0.00001.
gnomAD v4.1: 13 of 1,606,730 alleles (0.00081%); highest among the groups gnomAD compares: Middle Eastern, 0.18%; no homozygotes.

Submission:

Baylor Genetics
Classification: Uncertain significance for Pontocerebellar hypoplasia, type 11. Last evaluated: 2020-05-05. Review status: criteria provided, single submitter. Criteria: ACMG Guidelines, 2015. Collection method: clinical testing. Allele origin: unknown. Affected: yes.
Comment: This variant was determined to be of uncertain significance according to ACMG Guidelines, 2015 [PMID:25741868].